The following is an entry in ClinVar:

NM_139319.3(SLC17A8):c.1157C>T (p.Thr386Ile)

Gene: SLC17A8 (solute carrier family 17 member 8; plus strand). Cytogenetic location: 12q23.1.
Variant type: single nucleotide variant.
Coding change: c.1157C>T on transcript NM_139319.3 (MANE Select); coding-DNA position 1157, C replaced by T.
Protein change: p.Thr386Ile; replaces threonine 386 with isoleucine.
Molecular consequence: missense variant.
Genome position (GRCh38, 1-based): chr12:100,404,141, C>T. VCF-style: chr12-100404141-C-T. GRCh37 (hg19) VCF-style: chr12-100797919-C-T.
Other names: c.1007C>T, p.Thr336Ile (NM_001145288.2); short protein forms T336I, T386I.
Identifiers: ClinVar variation 1321581 (VCV001321581.2), dbSNP rs964871931, ClinGen allele CA386219570.

ClinVar aggregate classification (germline): Uncertain significance (1 of 4 stars; one submission).

Submission:

GeneDx
Classification: Uncertain significance. Last evaluated: 2021-05-14. Review status: criteria provided, single submitter. Criteria: GeneDx Variant Classification Process June 2021. Collection method: clinical testing. Allele origin: germline. Affected: yes.
Comment: Not observed in large population cohorts (Lek et al., 2016); In silico analysis supports that this missense variant has a deleterious effect on protein structure/function; Has not been previously published as pathogenic or benign to our knowledge